The following is an entry in ClinVar:

ClinVar aggregate classification (germline): Uncertain significance. Review status: criteria provided, multiple submitters, no conflicts (2 of 4 stars). 2 submissions from 2 submitters: Uncertain significance (2). Last evaluated 2025-08-18.

Allele frequency attached by ClinVar (database versions not stated): TOPMed 0.00002; gnomAD exomes 0.00009; gnomAD 0.00015; ExAC 0.00019; 1000 Genomes Project 0.00040; 1000 Genomes Project 30x 0.00047.
gnomAD v4.1: 158 of 1,612,048 alleles (0.0098%); highest among the groups gnomAD compares: Non-Finnish European, 0.0059%; no homozygotes.

Submissions (2):

Mayo Clinic Laboratories, Mayo Clinic
Classification: Uncertain significance. Last evaluated: 2025-08-18. Review status: criteria provided, single submitter. Criteria: ACMG Guidelines, 2015. Collection method: clinical testing. Allele origin: germline. Observed: 1 variant allele.

Labcorp Genetics (formerly Invitae), Labcorp
Classification: Uncertain significance. Last evaluated: 2024-10-30. Review status: criteria provided, single submitter. Criteria: Invitae Variant Classification Sherloc (09022015). Collection method: clinical testing. Allele origin: germline.
Comment: This sequence change replaces arginine, which is basic and polar, with tryptophan, which is neutral and slightly polar, at codon 611 of the NUP160 protein (p.Arg611Trp). This variant is present in population databases (rs188598280, gnomAD 0.1%). This variant has not been reported in the literature in individuals affected with NUP160-related conditions. ClinVar contains an entry for this variant (Variation ID: 1901283). An algorithm developed to predict the effect of missense changes on protein structure and function (PolyPhen-2) suggests that this variant is likely to be disruptive. In summary, the available evidence is currently insufficient to determine the role of this variant in disease. Therefore, it has been classified as a Variant of Uncertain Significance.

NM_015231.3(NUP160):c.1729C>T (p.Arg577Trp)

Gene: NUP160 (nucleoporin 160; minus strand). Cytogenetic location: 11p11.2.
Variant type: single nucleotide variant.
Coding change: c.1729C>T on transcript NM_015231.3 (MANE Select); coding-DNA position 1729, C replaced by T.
Protein change: p.Arg577Trp; replaces arginine 577 with tryptophan.
Molecular consequence: missense variant. On other transcripts: non-coding transcript variant (1).
Genome position (GRCh38, 1-based): chr11:47,813,003, G>A on the plus strand (C>T on the coding strand, the complement: NUP160 is on the minus strand). VCF-style: chr11-47813003-G-A. GRCh37 (hg19) VCF-style: chr11-47834555-G-A.
Other names: p.Arg611Trp; c.1831C>T (NM_015231.2); short protein forms R577W.
Identifiers: ClinVar variation 1901283 (VCV001901283.6), dbSNP rs188598280, ClinGen allele CA5981191.